The following is an entry in ClinVar:

NM_000135.4(FANCA):c.1558G>C (p.Asp520His)

Gene: FANCA (FA complementation group A; minus strand). Cytogenetic location: 16q24.3.
Variant type: single nucleotide variant.
Coding change: c.1558G>C on transcript NM_000135.4 (MANE Select); coding-DNA position 1558, G replaced by C.
Protein change: p.Asp520His; replaces aspartic acid 520 with histidine.
Molecular consequence: missense variant.
Genome position (GRCh38, 1-based): chr16:89,783,015, C>G on the plus strand (G>C on the coding strand, the complement: FANCA is on the minus strand). VCF-style: chr16-89783015-C-G. GRCh37 (hg19) VCF-style: chr16-89849423-C-G.
Other names: p.Asp520His; c.1558G>C (LRG_495t1, NM_000135.3); c.1558G>C, p.Asp520His (NM_001286167.3); short protein forms D520H.
Identifiers: ClinVar variation 569823 (VCV000569823.15), dbSNP rs754123446, ClinGen allele CA286579088.

ClinVar aggregate classification (germline): Uncertain significance. Review status: criteria provided, multiple submitters, no conflicts (2 of 4 stars). 7 submissions from 7 submitters: Uncertain significance (6). 1 of the submissions does not count toward it. Last evaluated 2026-08-04.

Conditions:
Fanconi anemia (FA). Also called: Fanconi's anemia. Identifiers: Orphanet 84, MedGen C0015625, MeSH D005199, MONDO:0019391.
FANCA-related disorder. Also called: FANCA-related condition.
Fanconi anemia complementation group A (FANCA). Also called: Fanconi anemia, group A; FANCA-Related Fanconi Anemia. Identifiers: Orphanet 84, MedGen C3469521, MONDO:0009215, OMIM 227650.

Allele frequency attached by ClinVar (database versions not stated): gnomAD 0.00002; TOPMed 0.00003.
gnomAD v4.1: 53 of 1,613,784 alleles (0.0033%); highest among the groups gnomAD compares: Non-Finnish European, 0.0043%; no homozygotes.

Submissions (7):

PreventionGenetics, part of Exact Sciences
Classification: Uncertain significance for FANCA-related condition. Last evaluated: 2026-08-04. Review status: criteria provided, single submitter. Criteria: ACMG Guidelines, 2015. Collection method: clinical testing. Allele origin: germline.
Comment: The FANCA c.1558G>C variant is predicted to result in the amino acid substitution p.Asp520His. This variant has been reported in a control individual and in an individual with ovarian cancer (Table S6, Song et al. 2021. PubMed ID: 32546565). This variant, in addition to six other non-FANCA variants, was also reported in an individual with inherited bone marrow failure syndrome (Table S2, Mangaonkar et al. 2019. PubMed ID: 31256854). This variant has not been reported in a large population database (gnomAD), indicating this variant is rare. This variant is interpreted as uncertain significance in ClinVar (Variation ID: 569823﻿). At this time, the clinical significance of this variant is uncertain due to the absence of conclusive functional and genetic evidence.

Mayo Clinic Laboratories, Mayo Clinic
Classification: Uncertain significance. Last evaluated: 2025-07-02. Review status: criteria provided, single submitter. Criteria: ACMG Guidelines, 2015. Collection method: clinical testing. Allele origin: germline. Observed: 1 variant allele.
Comment: PP3_moderate, PM2_supporting

Quest Diagnostics Nichols Institute San Juan Capistrano
Classification: Uncertain significance. Last evaluated: 2025-04-03. Review status: criteria provided, single submitter. Criteria: Quest Diagnostics criteria. Collection method: clinical testing. Allele origin: unknown.
Comment: The FANCA c.1558G>C (p.Asp520His) variant has been reported in the published literature in in an individual with epithelial ovarian cancer as well as in a reportedly unaffected individual (PMID: 32546565 (2021)). The frequency of this variant in the general population (Genome Aggregation Database) is uninformative in the assessment of its pathogenicity. Analysis of this variant using bioinformatics tools for the prediction of the effect of amino acid changes on protein structure and function yielded predictions that this variant is damaging. Based on the available information, we are unable to determine the clinical significance of this variant.

Labcorp Genetics (formerly Invitae), Labcorp
Classification: Uncertain significance for Fanconi anemia. Last evaluated: 2025-03-17. Review status: criteria provided, single submitter. Criteria: Invitae Variant Classification Sherloc (09022015). Collection method: clinical testing. Allele origin: germline.
Comment: This sequence change replaces aspartic acid, which is acidic and polar, with histidine, which is basic and polar, at codon 520 of the FANCA protein (p.Asp520His). This variant is not present in population databases (gnomAD no frequency). This variant has not been reported in the literature in individuals affected with FANCA-related conditions. ClinVar contains an entry for this variant (Variation ID: 569823). Invitae Evidence Modeling of protein sequence and biophysical properties (such as structural, functional, and spatial information, amino acid conservation, physicochemical variation, residue mobility, and thermodynamic stability) has been performed for this missense variant. However, the output from this modeling did not meet the statistical confidence thresholds required to predict the impact of this variant on FANCA protein function. In summary, the available evidence is currently insufficient to determine the role of this variant in disease. Therefore, it has been classified as a Variant of Uncertain Significance.

Fulgent Genetics
Classification: Uncertain significance for Fanconi anemia complementation group A. Last evaluated: 2022-03-10. Review status: criteria provided, single submitter. Criteria: ACMG Guidelines, 2015. Collection method: clinical testing. Allele origin: unknown.

Genetic Services Laboratory, University of Chicago
Classification: Uncertain significance. Last evaluated: 2018-08-27. Review status: criteria provided, single submitter. Criteria: ACMG Guidelines, 2015. Collection method: clinical testing. Allele origin: germline. Affected: no.

Natera, Inc.
Classification: Uncertain significance for Fanconi anemia. Last evaluated: 2021-03-16. Review status: no assertion criteria provided. Collection method: clinical testing. Allele origin: germline. Not counted in ClinVar's aggregate classification.

Literature cited by the submitters: PubMed 32546565 (cited by Quest Diagnostics Nichols Institute San Juan Capistrano).